The following is an entry in ClinVar:

NM_020975.6(RET):c.880G>T (p.Ala294Ser)

Gene: RET (ret proto-oncogene; plus strand). Cytogenetic location: 10q11.21.
Variant type: single nucleotide variant.
Coding change: c.880G>T on transcript NM_020975.6 (MANE Select); coding-DNA position 880, G replaced by T.
Protein change: p.Ala294Ser; replaces alanine 294 with serine.
Molecular consequence: missense variant. On other transcripts: intron variant (25).
Genome position (GRCh38, 1-based): chr10:43,106,388, G>T. VCF-style: chr10-43106388-G-T. GRCh37 (hg19) VCF-style: chr10-43601836-G-T.
Other names: c.118G>T, p.Ala40Ser (NM_001355216.2); c.880G>T, p.Ala294Ser (NM_001406743.1, NM_001406744.1, NM_001406759.1 and 4 more transcripts); c.751G>T, p.Ala251Ser (NM_001406761.1, NM_001406762.1, NM_001406764.1 and 1 more transcripts); c.592G>T, p.Ala198Ser (NM_001406766.1, NM_001406767.1, NM_001406770.1); c.867+1195G>T (NM_001406772.1, NM_001406769.1); c.626-2643G>T (NM_001406773.1, NM_001406771.1); c.625+3759G>T (NM_001406782.1, NM_001406780.1, NM_001406779.1 and 3 more transcripts); c.738+1195G>T (NM_001406774.1); and 5 more; short protein forms A251S, A198S, A40S, A294S.
Identifiers: ClinVar variation 3393846 (VCV003393846.1).
Genomic context (GRCh38, chr10:43,106,388, plus strand): 5'-GAGGGGCCCATCTCGCCTGCACTGACCAACGCCCTCTGCATCCTGCAGGACACCGTGGTG[G>T]CCACGCTGCGTGTCTTCGATGCAGACGTGGTACCTGCATCAGGGGAGCTGGTGAGGCGGT-3'
Protein context (NP_066124.1, residues 284-304): EFKRKEDTVV[Ala294Ser]TLRVFDADVV

ClinVar aggregate classification (germline): Uncertain significance (1 of 4 stars; one submission).

Submission:

GeneDx
Classification: Uncertain significance. Last evaluated: 2024-07-03. Review status: criteria provided, single submitter. Criteria: GeneDx Variant Classification Process June 2021. Collection method: clinical testing. Allele origin: germline. Affected: yes.
Comment: Not observed at significant frequency in large population cohorts (gnomAD); In silico analysis indicates that this missense variant does not alter protein structure/function; Has not been previously published as pathogenic or benign to our knowledge